The following is an entry in ClinVar:

NM_015072.5(TTLL5):c.339C>T (p.Leu113=)

Gene: TTLL5 (tubulin tyrosine ligase like 5; plus strand). Cytogenetic location: 14q24.3.
Variant type: single nucleotide variant.
Coding change: c.339C>T on transcript NM_015072.5 (MANE Select); coding-DNA position 339, C replaced by T.
Protein change: p.Leu113=; no amino-acid change (leucine 113 retained).
Molecular consequence: synonymous variant.
Genome position (GRCh38, 1-based): chr14:75,683,624, C>T. VCF-style: chr14-75683624-C-T. GRCh37 (hg19) VCF-style: chr14-76149967-C-T.
Identifiers: ClinVar variation 4983800 (VCV004983800.1).

ClinVar aggregate classification (germline): Likely benign (1 of 4 stars; one submission).

Conditions:
TTLL5-related disorder. Also called: TTLL5-related condition.

gnomAD v4.1: 1 of 1,614,056 alleles (0.000062%); highest among the groups gnomAD compares: East Asian, 0.0022%; no homozygotes.

Submission:

PreventionGenetics, part of Exact Sciences
Classification: Likely benign for TTLL5-related condition. Last evaluated: 2025-03-10. Review status: criteria provided, single submitter. Criteria: ACMG Guidelines, 2015. Collection method: clinical testing. Allele origin: germline.
Comment: This variant is classified as likely benign based on ACMG/AMP sequence variant interpretation guidelines (Richards et al. 2015 PMID: 25741868, with internal and published modifications).